The following is an entry in ClinVar:

NM_001077365.2(POMT1):c.1433G>A (p.Arg478Gln)

Gene: POMT1 (protein O-mannosyltransferase 1; plus strand). Cytogenetic location: 9q34.13.
Variant type: single nucleotide variant.
Coding change: c.1433G>A on transcript NM_001077365.2 (MANE Select); coding-DNA position 1433, G replaced by A.
Protein change: p.Arg478Gln; replaces arginine 478 with glutamine.
Molecular consequence: missense variant. On other transcripts: non-coding transcript variant (10), intron variant (1).
Genome position (GRCh38, 1-based): chr9:131,518,904, G>A. VCF-style: chr9-131518904-G-A. GRCh37 (hg19) VCF-style: chr9-134394291-G-A.
Other names: c.1271G>A, p.Arg424Gln (NM_001077366.2, NM_001353194.2); c.1433G>A, p.Arg478Gln (NM_001136113.2); c.1082G>A, p.Arg361Gln (NM_001136114.2, NM_001353195.2, NM_001374691.1 and 2 more transcripts); c.1499G>A, p.Arg500Gln (NM_001353193.2, NM_007171.4); c.1343G>A, p.Arg448Gln (NM_001353196.2); c.1337G>A, p.Arg446Gln (NM_001353197.2, NM_001353198.2); c.1148G>A, p.Arg383Gln (NM_001353199.2); c.977G>A, p.Arg326Gln (NM_001353200.2); and 3 more; short protein forms R348Q, R361Q, R448Q, R500Q, R383Q, R446Q, R326Q, R478Q.
Identifiers: ClinVar variation 957859 (VCV000957859.10), dbSNP rs1386572159, ClinGen allele CA375311969.

ClinVar aggregate classification (germline): Uncertain significance. Review status: criteria provided, multiple submitters, no conflicts (2 of 4 stars). 3 submissions from 3 submitters: Uncertain significance (3). Last evaluated 2024-08-14.

Conditions:
Autosomal recessive limb-girdle muscular dystrophy type 2K. Also called: MUSCULAR DYSTROPHY-DYSTROGLYCANOPATHY (LIMB-GIRDLE), TYPE C, 1; MUSCULAR DYSTROPHY, LIMB-GIRDLE, TYPE 2K. Identifiers: Orphanet 86812, MedGen C1836373, MONDO:0012248, OMIM 609308.
Walker-Warburg congenital muscular dystrophy. Also called: Muscular dystrophy-dystroglycanopathy, type A; Walker-Warburg syndrome. Identifiers: Orphanet 899, MedGen C0265221, MONDO:0000171.
Muscular dystrophy-dystroglycanopathy (congenital with impaired intellectual development), type B, 1. Also called: Muscular dystrophy-dystroglycanopathy (congenital with intellectual disability), type B1; MUSCULAR DYSTROPHY, CONGENITAL, POMT1-RELATED. Identifiers: MedGen C5436962, MONDO:0013159, OMIM 613155.
Inborn genetic diseases. Identifiers: MedGen C0950123, MeSH D030342.

Allele frequency attached by ClinVar (database versions not stated): gnomAD 0.00001 and 0.00002; gnomAD exomes 0.00001; TOPMed 0.00002.
gnomAD v4.1: 15 of 1,613,842 alleles (0.00093%); highest among the groups gnomAD compares: East Asian, 0.011%; no homozygotes.

Submissions (3):

Ambry Genetics
Classification: Uncertain significance for Inborn genetic diseases. Last evaluated: 2024-08-14. Review status: criteria provided, single submitter. Criteria: Ambry Variant Classification Scheme 2023. Collection method: clinical testing. Allele origin: germline.

Revvity Omics, Revvity
Classification: Uncertain significance. Last evaluated: 2023-09-25. Review status: criteria provided, single submitter. Criteria: ACMG Guidelines, 2015. Collection method: clinical testing. Allele origin: germline.

Labcorp Genetics (formerly Invitae), Labcorp
Classification: Uncertain significance for Muscular dystrophy-dystroglycanopathy (congenital with impaired intellectual development), type B, 1; Walker-Warburg congenital muscular dystrophy; Autosomal recessive limb-girdle muscular dystrophy type 2K. Last evaluated: 2022-10-25. Review status: criteria provided, single submitter. Criteria: Invitae Variant Classification Sherloc (09022015). Collection method: clinical testing. Allele origin: germline.
Comment: This sequence change replaces arginine, which is basic and polar, with glutamine, which is neutral and polar, at codon 500 of the POMT1 protein (p.Arg500Gln). This variant is present in population databases (no rsID available, gnomAD 0.01%). This variant has not been reported in the literature in individuals affected with POMT1-related conditions. ClinVar contains an entry for this variant (Variation ID: 957859). Advanced modeling of protein sequence and biophysical properties (such as structural, functional, and spatial information, amino acid conservation, physicochemical variation, residue mobility, and thermodynamic stability) performed at Invitae indicates that this missense variant is not expected to disrupt POMT1 protein function. In summary, the available evidence is currently insufficient to determine the role of this variant in disease. Therefore, it has been classified as a Variant of Uncertain Significance.